The following is an entry in ClinVar:

ClinVar aggregate classification (germline): Uncertain significance (1 of 4 stars; one submission).

Submission:

GeneDx
Classification: Uncertain significance. Last evaluated: 2019-11-11. Review status: criteria provided, single submitter. Criteria: GeneDx Variant Classification Process June 2021. Collection method: clinical testing. Allele origin: germline. Affected: yes.
Comment: Not observed in large population cohorts (Lek et al., 2016); In silico analysis, which includes protein predictors and evolutionary conservation, supports a deleterious effect; Has not been previously published as pathogenic or benign to our knowledge

NM_001164508.2(NEB):c.16721A>G (p.Asp5574Gly)

Gene: NEB (nebulin; minus strand). Cytogenetic location: 2q23.3.
Variant type: single nucleotide variant.
Coding change: c.16721A>G on transcript NM_001164508.2 (MANE Select); coding-DNA position 16721, A replaced by G.
Protein change: p.Asp5574Gly; replaces aspartic acid 5574 with glycine.
Molecular consequence: missense variant.
Genome position (GRCh38, 1-based): chr2:151,576,338, T>C on the plus strand (A>G on the coding strand, the complement: NEB is on the minus strand). VCF-style: chr2-151576338-T-C. GRCh37 (hg19) VCF-style: chr2-152432852-T-C.
Other names: c.16721A>G, p.Asp5574Gly (NM_001164507.2, NM_001271208.2); c.11618A>G, p.Asp3873Gly (NM_004543.5); short protein forms D3873G, D5574G.
Identifiers: ClinVar variation 1309953 (VCV001309953.2), dbSNP rs2153808865, ClinGen allele CA348811127.